The following is an entry in ClinVar:

ClinVar aggregate classification (germline): Uncertain significance. Review status: criteria provided, multiple submitters, no conflicts (2 of 4 stars). 2 submissions from 2 submitters: Uncertain significance (2). Last evaluated 2025-05-19.

Conditions:
Emery-Dreifuss muscular dystrophy 5, autosomal dominant (EDMD5). Also called: EMERY-DREIFUSS MUSCULAR DYSTROPHY 5. Identifiers: Orphanet 261, MedGen C2751805, MONDO:0013072, OMIM 612999.

Allele frequency attached by ClinVar (database versions not stated): ExAC 0.00001; gnomAD 0.00001; gnomAD exomes 0.00001; TOPMed 0.00001.
gnomAD v4.1: 7 of 1,614,018 alleles (0.00043%); highest among the groups gnomAD compares: Non-Finnish European, 0.00059%; no homozygotes.

Submissions (2):

Dasa
Classification: Uncertain significance. Last evaluated: 2025-05-19. Review status: criteria provided, single submitter. Criteria: DASA Assertion Criteria. Collection method: clinical testing. Allele origin: germline.
Comment: NM_182914.3(SYNE2):c.17183G>T (p.Gly5728Val) is a missense variant that results in the substitution of glycine with valine. This variant is rare in population databases. Computational prediction algorithms are consistent with a benign effect. The currently available literature and clinical evidence are not sufficient to establish a definitive association between this variant and the reported condition. Therefore, this variant is classified as a variant of uncertain significance.

Labcorp Genetics (formerly Invitae), Labcorp
Classification: Uncertain significance for Emery-Dreifuss muscular dystrophy 5, autosomal dominant. Last evaluated: 2019-08-06. Review status: criteria provided, single submitter. Criteria: Invitae Variant Classification Sherloc (09022015). Collection method: clinical testing. Allele origin: germline.
Comment: This variant has not been reported in the literature in individuals with SYNE2-related conditions. The frequency data for this variant in the population databases is considered unreliable, as metrics indicate poor data quality at this position in the ExAC database. This sequence change replaces glycine with valine at codon 5728 of the SYNE2 protein (p.Gly5728Val). The glycine residue is weakly conserved and there is a moderate physicochemical difference between glycine and valine. Algorithms developed to predict the effect of missense changes on protein structure and function (SIFT, PolyPhen-2, Align-GVGD) all suggest that this variant is likely to be tolerated, but these predictions have not been confirmed by published functional studies and their clinical significance is uncertain. In summary, the available evidence is currently insufficient to determine the role of this variant in disease. Therefore, it has been classified as a Variant of Uncertain Significance.

NM_182914.3(SYNE2):c.17183G>T (p.Gly5728Val)

Gene: SYNE2 (spectrin repeat containing nuclear envelope protein 2; plus strand). Cytogenetic location: 14q23.2.
Variant type: single nucleotide variant.
Coding change: c.17183G>T on transcript NM_182914.3 (MANE Select); coding-DNA position 17183, G replaced by T.
Protein change: p.Gly5728Val; replaces glycine 5728 with valine.
Molecular consequence: missense variant.
Genome position (GRCh38, 1-based): chr14:64,170,410, G>T. VCF-style: chr14-64170410-G-T. GRCh37 (hg19) VCF-style: chr14-64637128-G-T.
Other names: c.17183G>T, p.Gly5728Val (NM_015180.6); short protein forms G5728V.
Identifiers: ClinVar variation 964415 (VCV000964415.11), dbSNP rs776657050, ClinGen allele CA7223617.